The following is an entry in ClinVar:

ClinVar aggregate classification (germline): Uncertain significance. Review status: criteria provided, single submitter (1 of 4 stars). 2 submissions from 2 submitters: Uncertain significance (1). 1 of the submissions does not count toward it. Last evaluated 2024-12-06.

Conditions:
IMPG1-related disorder. Also called: IMPG1-related condition.

gnomAD v4.1: 1 of 1,613,144 alleles (0.000062%); highest among the groups gnomAD compares: Admixed American, 0.0017%; no homozygotes.

Submissions (2):

Labcorp Genetics (formerly Invitae), Labcorp
Classification: Uncertain significance. Last evaluated: 2024-12-06. Review status: criteria provided, single submitter. Criteria: Invitae Variant Classification Sherloc (09022015). Collection method: clinical testing. Allele origin: germline.
Comment: This sequence change replaces glycine, which is neutral and non-polar, with alanine, which is neutral and non-polar, at codon 264 of the IMPG1 protein (p.Gly264Ala). This variant is not present in population databases (gnomAD no frequency). This variant has not been reported in the literature in individuals affected with IMPG1-related conditions. An algorithm developed to predict the effect of missense changes on protein structure and function outputs the following: PolyPhen-2: "Benign". The alanine amino acid residue is found in multiple mammalian species, which suggests that this missense change does not adversely affect protein function. In summary, the available evidence is currently insufficient to determine the role of this variant in disease. Therefore, it has been classified as a Variant of Uncertain Significance.

PreventionGenetics, part of Exact Sciences
Classification: Uncertain significance for IMPG1-related condition. Last evaluated: 2024-06-03. Review status: no assertion criteria provided. Collection method: clinical testing. Allele origin: germline. Not counted in ClinVar's aggregate classification.
Comment: The IMPG1 c.791G>C variant is predicted to result in the amino acid substitution p.Gly264Ala. To our knowledge, this variant has not been reported in the literature or in a large population database, indicating this variant is rare. At this time, the clinical significance of this variant is uncertain due to the absence of conclusive functional and genetic evidence.

NM_001563.4(IMPG1):c.791G>C (p.Gly264Ala)

Gene: IMPG1 (interphotoreceptor matrix proteoglycan 1; minus strand). Cytogenetic location: 6q14.1.
Variant type: single nucleotide variant.
Coding change: c.791G>C on transcript NM_001563.4 (MANE Select); coding-DNA position 791, G replaced by C.
Protein change: p.Gly264Ala; replaces glycine 264 with alanine.
Molecular consequence: missense variant.
Genome position (GRCh38, 1-based): chr6:76,018,734, C>G on the plus strand (G>C on the coding strand, the complement: IMPG1 is on the minus strand). VCF-style: chr6-76018734-C-G. GRCh37 (hg19) VCF-style: chr6-76728451-C-G.
Other names: c.557G>C, p.Gly186Ala (NM_001282368.2); short protein forms G186A, G264A.
Identifiers: ClinVar variation 3344209 (VCV003344209.3).